The following is an entry in ClinVar:

NM_000440.3(PDE6A):c.870T>G (p.Asp290Glu)

Gene: PDE6A (phosphodiesterase 6A; minus strand). Cytogenetic location: 5q32.
Variant type: single nucleotide variant.
Coding change: c.870T>G on transcript NM_000440.3 (MANE Select); coding-DNA position 870, T replaced by G.
Protein change: p.Asp290Glu; replaces aspartic acid 290 with glutamic acid.
Molecular consequence: missense variant.
Genome position (GRCh38, 1-based): chr5:149,921,698, A>C on the plus strand (T>G on the coding strand, the complement: PDE6A is on the minus strand). VCF-style: chr5-149921698-A-C. GRCh37 (hg19) VCF-style: chr5-149301261-A-C.
Other names: short protein forms D290E.
Identifiers: ClinVar variation 933823 (VCV000933823.9), dbSNP rs140471904, ClinGen allele CA3504908.

ClinVar aggregate classification (germline): Uncertain significance. Review status: criteria provided, multiple submitters, no conflicts (2 of 4 stars). 3 submissions from 3 submitters: Uncertain significance (3). Last evaluated 2023-03-27.

Conditions:
Inborn genetic diseases. Identifiers: MedGen C0950123, MeSH D030342.

Allele frequency attached by ClinVar (database versions not stated): gnomAD exomes 0.00001 and 0.00004; ExAC 0.00006; TOPMed 0.00008; gnomAD 0.00009; ESP Exome Variant Server 0.00031.
gnomAD v4.1: 27 of 1,613,632 alleles (0.0017%); highest among the groups gnomAD compares: African/African-American, 0.031%; no homozygotes.

Submissions (3):

Ambry Genetics
Classification: Uncertain significance for Inborn genetic diseases. Last evaluated: 2023-03-27. Review status: criteria provided, single submitter. Criteria: Ambry Variant Classification Scheme 2023. Collection method: clinical testing. Allele origin: germline.

Blueprint Genetics
Classification: Uncertain significance. Last evaluated: 2022-09-12. Review status: criteria provided, single submitter. Criteria: ACMG Guidelines, 2015. Collection method: clinical testing. Allele origin: germline.

Labcorp Genetics (formerly Invitae), Labcorp
Classification: Uncertain significance. Last evaluated: 2022-07-25. Review status: criteria provided, single submitter. Criteria: Invitae Variant Classification Sherloc (09022015). Collection method: clinical testing. Allele origin: germline.
Comment: This sequence change replaces aspartic acid, which is acidic and polar, with glutamic acid, which is acidic and polar, at codon 290 of the PDE6A protein (p.Asp290Glu). This variant is present in population databases (rs140471904, gnomAD 0.04%). This variant has not been reported in the literature in individuals affected with PDE6A-related conditions. ClinVar contains an entry for this variant (Variation ID: 933823). Algorithms developed to predict the effect of missense changes on protein structure and function (SIFT, PolyPhen-2, Align-GVGD) all suggest that this variant is likely to be tolerated. In summary, the available evidence is currently insufficient to determine the role of this variant in disease. Therefore, it has been classified as a Variant of Uncertain Significance.